The following is an entry in ClinVar:

NM_001042492.3(NF1):c.1452G>A (p.Leu484=)

Gene: NF1 (neurofibromin 1; plus strand). Cytogenetic location: 17q11.2.
Variant type: single nucleotide variant.
Coding change: c.1452G>A on transcript NM_001042492.3 (MANE Select); coding-DNA position 1452, G replaced by A.
Protein change: p.Leu484=; no amino-acid change (leucine 484 retained).
Molecular consequence: synonymous variant.
Genome position (GRCh38, 1-based): chr17:31,214,510, G>A. VCF-style: chr17-31214510-G-A. GRCh37 (hg19) VCF-style: chr17-29541528-G-A.
Other names: c.1452G>A, p.Leu484= (NM_000267.4, NM_001128147.3).
Identifiers: ClinVar variation 1647483 (VCV001647483.11), dbSNP rs2143959403, ClinGen allele CA499224983.

ClinVar aggregate classification (germline): Benign/Likely benign. Review status: criteria provided, multiple submitters, no conflicts (2 of 4 stars). 3 submissions from 3 submitters: Benign (1); Likely benign (2). Last evaluated 2026-09-28.

Conditions:
Neurofibromatosis, type 1 (NF1). Also called: NEUROFIBROMATOSIS, TYPE I, SOMATIC; Neurofibromatosis, type I; VON RECKLINGHAUSEN DISEASE; Peripheral type neurofibromatosis. Identifiers: Orphanet 636, MedGen C0027831, MONDO:0018975, OMIM 162200. Disease mechanism: loss of function.
Cardiovascular phenotype. Identifiers: MedGen CN230736.
Hereditary cancer-predisposing syndrome. Also called: Neoplastic Syndromes, Hereditary; Tumor predisposition; Hereditary Cancer Syndrome; Hereditary neoplastic syndrome. Identifiers: Orphanet 140162, MedGen C0027672, MeSH D009386, MONDO:0015356.

Submissions (3):

Myriad Genetics, Inc.
Classification: Benign for Neurofibromatosis, type 1. Last evaluated: 2026-09-28. Review status: criteria provided, single submitter. Criteria: Myriad Autosomal Dominant, Autosomal Recessive and X-Linked Classification Criteria (2023). Collection method: clinical testing. Allele origin: unknown.
Comment: This variant is considered benign. This variant is a silent/synonymous amino acid change and it is not expected to impact splicing.

Labcorp Genetics (formerly Invitae), Labcorp
Classification: Likely benign for Neurofibromatosis, type 1. Last evaluated: 2024-09-18. Review status: criteria provided, single submitter. Criteria: Invitae Variant Classification Sherloc (09022015). Collection method: clinical testing. Allele origin: germline.

Ambry Genetics
Classification: Likely benign for Cardiovascular phenotype; Hereditary cancer-predisposing syndrome. Last evaluated: 2020-04-15. Review status: criteria provided, single submitter. Criteria: Ambry Variant Classification Scheme 2023. Collection method: clinical testing. Allele origin: germline.